The following is an entry in ClinVar:

NM_001174147.2(LMX1B):c.*1393G>T

Gene: LMX1B (LIM homeobox transcription factor 1 beta; plus strand). Cytogenetic location: 9q33.3.
Variant type: single nucleotide variant.
Coding change: c.*1393G>T on transcript NM_001174147.2 (MANE Select); 1393 bases downstream of the stop codon, G replaced by T.
Molecular consequence: 3 prime UTR variant.
Genome position (GRCh38, 1-based): chr9:126,697,844, G>T. VCF-style: chr9-126697844-G-T. GRCh37 (hg19) VCF-style: chr9-129460123-G-T.
Other names: c.*1393G>T (NM_001174146.2, NM_002316.4).
Identifiers: ClinVar variation 364928 (VCV000364928.6), dbSNP rs13299451, ClinGen allele CA10632440.

ClinVar aggregate classification (germline): Benign. Review status: criteria provided, multiple submitters, no conflicts (2 of 4 stars). 2 submissions from 2 submitters: Benign (2). Last evaluated 2018-01-13.

Conditions:
Nail-patella syndrome (NPS). Also called: FONG DISEASE; ONYCHOOSTEODYSPLASIA; TURNER-KIESER SYNDROME. Identifiers: Orphanet 2614, MedGen C0027341, MONDO:0008061, OMIM 161200.

Allele frequency attached by ClinVar (database versions not stated): gnomAD 0.12409 and 0.12718; 1000 Genomes Project 0.16134.

Submissions (2):

Illumina Laboratory Services, Illumina
Classification: Benign for Nail-patella syndrome. Last evaluated: 2018-01-13. Review status: criteria provided, single submitter. Criteria: ICSL Variant Classification Criteria 13 December 2019. Collection method: clinical testing. Allele origin: germline.
Comment: This variant was observed in the ICSL laboratory as part of a predisposition screen in an ostensibly healthy population. It had not been previously curated by ICSL or reported in the Human Gene Mutation Database (HGMD: prior to June 1st, 2018), and was therefore a candidate for classification through an automated scoring system. Utilizing variant allele frequency, disease prevalence and penetrance estimates, and inheritance mode, an automated score was calculated to assess if this variant is too frequent to cause the disease. Based on the score and internal cut-off values, a variant classified as benign is not then subjected to further curation. The score for this variant resulted in a classification of benign for this disease.

Breakthrough Genomics
Classification: Benign. Review status: criteria provided, single submitter. Criteria: ACMG Guidelines, 2015. Collection method: not provided. Allele origin: germline. Inheritance: Autosomal dominant inheritance. Affected: yes.